The following is an entry in ClinVar:

NM_001276270.2(MBD4):c.1510G>C (p.Asp504His)

Gene: MBD4 (methyl-CpG binding domain 4, DNA glycosylase; minus strand). Cytogenetic location: 3q21.3.
Variant type: single nucleotide variant.
Coding change: c.1510G>C on transcript NM_001276270.2 (MANE Select); coding-DNA position 1510, G replaced by C.
Protein change: p.Asp504His; replaces aspartic acid 504 with histidine.
Molecular consequence: missense variant.
Genome position (GRCh38, 1-based): chr3:129,433,131, C>G on the plus strand (G>C on the coding strand, the complement: MBD4 is on the minus strand). VCF-style: chr3-129433131-C-G. GRCh37 (hg19) VCF-style: chr3-129151974-C-G.
Other names: c.1528G>C, p.Asp510His (NM_001276271.2, NM_001276272.2, NM_003925.3); c.574G>C, p.Asp192His (NM_001276273.2); short protein forms D192H, D510H, D504H.
Identifiers: ClinVar variation 2320140 (VCV002320140.4), dbSNP rs1457574009, ClinGen allele CA354465152.

ClinVar aggregate classification (germline): Uncertain significance. Review status: criteria provided, multiple submitters, no conflicts (2 of 4 stars). 2 submissions from 2 submitters: Uncertain significance (2). Last evaluated 2025-03-16.

Conditions:
Inborn genetic diseases. Identifiers: MedGen C0950123, MeSH D030342.

Submissions (2):

Labcorp Genetics (formerly Invitae), Labcorp
Classification: Uncertain significance. Last evaluated: 2025-03-16. Review status: criteria provided, single submitter. Criteria: Invitae Variant Classification Sherloc (09022015). Collection method: clinical testing. Allele origin: germline.
Comment: This sequence change replaces aspartic acid, which is acidic and polar, with histidine, which is basic and polar, at codon 510 of the MBD4 protein (p.Asp510His). This variant is present in population databases (no rsID available, gnomAD 0.003%). This variant has not been reported in the literature in individuals affected with MBD4-related conditions. ClinVar contains an entry for this variant (Variation ID: 2320140). An algorithm developed to predict the effect of missense changes on protein structure and function (PolyPhen-2) suggests that this variant is likely to be disruptive. In summary, the available evidence is currently insufficient to determine the role of this variant in disease. Therefore, it has been classified as a Variant of Uncertain Significance.

Ambry Genetics
Classification: Uncertain significance for Inborn genetic diseases. Last evaluated: 2022-10-26. Review status: criteria provided, single submitter. Criteria: Ambry Variant Classification Scheme 2023. Collection method: clinical testing. Allele origin: germline.